The following is an entry in ClinVar:

ClinVar aggregate classification (germline): Uncertain significance (1 of 4 stars; one submission).

gnomAD v4.1: 8 of 1,562,510 alleles (0.00051%); highest among the groups gnomAD compares: East Asian, 0.0024%; 1 homozygote.

Submission:

Women's Health and Genetics/Laboratory Corporation of America, LabCorp
Classification: Uncertain significance. Last evaluated: 2026-02-03. Review status: criteria provided, single submitter. Criteria: LabCorp Variant Classification Summary - May 2015. Collection method: clinical testing. Allele origin: germline.
Comment: Variant summary: KCNQ4 c.1168C>T (p.Arg390Cys) results in a non-conservative amino acid change in the encoded protein sequence. Algorithms developed to predict the effect of missense changes on protein structure and function all suggest that this variant is likely to be disruptive. The frequency data for this variant in gnomAD is considered unreliable, as metrics indicate poor data quality at this position. To our knowledge, no occurrence of c.1168C>T in individuals affected with KCNQ4-related conditions and no experimental evidence demonstrating its impact on protein function have been reported. No submitters have cited clinical-significance assessments for this variant to ClinVar. Based on the evidence outlined above, the variant was classified as uncertain significance.

NM_004700.4(KCNQ4):c.1168C>T (p.Arg390Cys)

Gene: KCNQ4 (potassium voltage-gated channel subfamily Q member 4; plus strand). Cytogenetic location: 1p34.2.
Variant type: single nucleotide variant.
Coding change: c.1168C>T on transcript NM_004700.4 (MANE Select); coding-DNA position 1168, C replaced by T.
Protein change: p.Arg390Cys; replaces arginine 390 with cysteine.
Molecular consequence: missense variant. On other transcripts: intron variant (1).
Genome position (GRCh38, 1-based): chr1:40,824,134, C>T. VCF-style: chr1-40824134-C-T. GRCh37 (hg19) VCF-style: chr1-41289806-C-T.
Other names: c.1130+1732C>T (NM_172163.3); short protein forms R390C.
Identifiers: ClinVar variation 4848060 (VCV004848060.1).